The following is an entry in ClinVar:

NM_006734.4(HIVEP2):c.4882G>A (p.Asp1628Asn)

Gene: HIVEP2 (HIVEP zinc finger 2; minus strand). Cytogenetic location: 6q24.2.
Variant type: single nucleotide variant.
Coding change: c.4882G>A on transcript NM_006734.4 (MANE Select); coding-DNA position 4882, G replaced by A.
Protein change: p.Asp1628Asn; replaces aspartic acid 1628 with asparagine.
Molecular consequence: missense variant.
Genome position (GRCh38, 1-based): chr6:142,769,857, C>T on the plus strand (G>A on the coding strand, the complement: HIVEP2 is on the minus strand). VCF-style: chr6-142769857-C-T. GRCh37 (hg19) VCF-style: chr6-143090994-C-T.
Other names: c.4882G>A, p.Asp1628Asn (NM_001438449.1, NM_001438450.1, NM_001438451.1); short protein forms D1628N.
Identifiers: ClinVar variation 4745122 (VCV004745122.1).
Genomic context (GRCh38, chr6:142,769,857, plus strand): 5'-TCACAGTAGTTGTTGTCCGCAGACTGGGGAACTGAAGAATCTGCTGGAAATCTGCCATGT[C>T]CGTGAGAAGAAGAGTTGAGTCTGCCACGTTCCCGCTGGGGGCAGAGGCCATGCGGACCAG-3'
Protein context (NP_006725.3, residues 1618-1638): NVADSTLLLT[Asp1628Asn]MADFQQILQF

ClinVar aggregate classification (germline): Uncertain significance (1 of 4 stars; one submission).

gnomAD v4.1: 2 of 1,614,166 alleles (0.00012%); highest among the groups gnomAD compares: Non-Finnish European, 0.00017%; no homozygotes.

Submission:

Labcorp Genetics (formerly Invitae), Labcorp
Classification: Uncertain significance. Last evaluated: 2025-11-27. Review status: criteria provided, single submitter. Criteria: Invitae Variant Classification Sherloc (09022015). Collection method: clinical testing. Allele origin: germline.
Comment: This sequence change replaces aspartic acid, which is acidic and polar, with asparagine, which is neutral and polar, at codon 1628 of the HIVEP2 protein (p.Asp1628Asn). This variant is not present in population databases (gnomAD no frequency). This variant has not been reported in the literature in individuals affected with HIVEP2-related conditions. Invitae Evidence Modeling of protein sequence and biophysical properties (such as structural, functional, and spatial information, amino acid conservation, physicochemical variation, residue mobility, and thermodynamic stability) indicates that this missense variant is not expected to disrupt HIVEP2 protein function with a negative predictive value of 80%. In summary, the available evidence is currently insufficient to determine the role of this variant in disease. Therefore, it has been classified as a Variant of Uncertain Significance.